The following is an entry in ClinVar:

NM_001103.4(ACTN2):c.616G>C (p.Asp206His)

Gene: ACTN2 (actinin alpha 2; plus strand). Cytogenetic location: 1q43.
Variant type: single nucleotide variant.
Coding change: c.616G>C on transcript NM_001103.4 (MANE Select); coding-DNA position 616, G replaced by C.
Protein change: p.Asp206His; replaces aspartic acid 206 with histidine.
Molecular consequence: missense variant. On other transcripts: non-coding transcript variant (1).
Genome position (GRCh38, 1-based): chr1:236,731,233, G>C. VCF-style: chr1-236731233-G-C. GRCh37 (hg19) VCF-style: chr1-236894533-G-C.
Other names: c.616G>C, p.Asp206His (NM_001278343.2); short protein forms D206H.
Identifiers: ClinVar variation 3755781 (VCV003755781.2).

ClinVar aggregate classification (germline): Uncertain significance (1 of 4 stars; one submission).

Conditions:
Primary familial hypertrophic cardiomyopathy (HCM). Identifiers: Orphanet 99739, MedGen C0949658, MeSH D024741, MONDO:0024573. Inheritance: Various modes of inheritance.
Dilated cardiomyopathy 1AA (CMD1AA). Also called: CARDIOMYOPATHY, DILATED, 1AA, WITH OR WITHOUT LEFT VENTRICULAR NONCOMPACTION; CARDIOMYOPATHY, FAMILIAL HYPERTROPHIC, 23, WITH OR WITHOUT LEFT VENTRICULAR NONCOMPACTION; Cardiomyopathy, dilated, 1AA, with or without LVNC. Identifiers: Orphanet 154, MedGen C2677338, MONDO:0012808, OMIM 612158.

Submission:

Labcorp Genetics (formerly Invitae), Labcorp
Classification: Uncertain significance for Primary familial hypertrophic cardiomyopathy; Dilated cardiomyopathy 1AA. Last evaluated: 2024-04-19. Review status: criteria provided, single submitter. Criteria: Invitae Variant Classification Sherloc (09022015). Collection method: clinical testing. Allele origin: germline.
Comment: This sequence change replaces aspartic acid, which is acidic and polar, with histidine, which is basic and polar, at codon 206 of the ACTN2 protein (p.Asp206His). This variant is not present in population databases (gnomAD no frequency). This variant has not been reported in the literature in individuals affected with ACTN2-related conditions. An algorithm developed to predict the effect of missense changes on protein structure and function (PolyPhen-2) suggests that this variant is likely to be disruptive. In summary, the available evidence is currently insufficient to determine the role of this variant in disease. Therefore, it has been classified as a Variant of Uncertain Significance.